The following is an entry in ClinVar:

NM_001042492.3(NF1):c.1955del (p.Arg652fs)

Gene: NF1 (neurofibromin 1; plus strand). Cytogenetic location: 17q11.2.
Variant type: Deletion.
Coding change: c.1955del on transcript NM_001042492.3 (MANE Select); coding-DNA position 1955, one base deleted (G; older notation c.1955delG).
Protein change: p.Arg652fs; shifts the reading frame from arginine 652.
Molecular consequence: frameshift variant.
Genome position (GRCh38, 1-based): chr17:31,225,204, G deleted. VCF-style (leftmost placement, unchanged base first): chr17-31225203-CG-C. GRCh37 (hg19) VCF-style: chr17-29552221-CG-C.
Other names: c.1955delG (NM_000267.3); c.1955delG, p.Arg652Leufs (NM_000267.4); short protein forms R652fs.
Identifiers: ClinVar variation 820408 (VCV000820408.13), dbSNP rs1597710690, ClinGen allele CA915949701.

ClinVar aggregate classification (germline): Pathogenic. Review status: criteria provided, multiple submitters, no conflicts (2 of 4 stars). 3 submissions from 3 submitters: Pathogenic (3). Last evaluated 2026-01-28.

Conditions:
Hereditary cancer-predisposing syndrome. Also called: Hereditary Cancer Syndrome; Neoplastic Syndromes, Hereditary; Hereditary neoplastic syndrome; Tumor predisposition. Identifiers: Orphanet 140162, MedGen C0027672, MeSH D009386, MONDO:0015356.
Cardiovascular phenotype. Identifiers: MedGen CN230736.
Neurofibromatosis, type 1 (NF1). Also called: Peripheral type neurofibromatosis; Neurofibromatosis, type I; NEUROFIBROMATOSIS, TYPE I, SOMATIC; VON RECKLINGHAUSEN DISEASE. Identifiers: Orphanet 636, MedGen C0027831, MONDO:0018975, OMIM 162200. Disease mechanism: loss of function.

Submissions (3):

Labcorp Genetics (formerly Invitae), Labcorp
Classification: Pathogenic for Neurofibromatosis, type 1. Last evaluated: 2026-01-28. Review status: criteria provided, single submitter. Criteria: Invitae Variant Classification Sherloc (09022015). Collection method: clinical testing. Allele origin: germline.
Comment: This sequence change creates a premature translational stop signal (p.Arg652Leufs*36) in the NF1 gene. It is expected to result in an absent or disrupted protein product. Loss-of-function variants in NF1 are known to be pathogenic (PMID: 10712197, 23913538). This variant is not present in population databases (gnomAD no frequency). This variant has not been reported in the literature in individuals affected with NF1-related conditions. ClinVar contains an entry for this variant (Variation ID: 820408). For these reasons, this variant has been classified as Pathogenic.

Ambry Genetics
Classification: Pathogenic for Cardiovascular phenotype; Hereditary cancer-predisposing syndrome. Last evaluated: 2023-02-27. Review status: criteria provided, single submitter. Criteria: Ambry Variant Classification Scheme 2023. Collection method: clinical testing. Allele origin: germline.
Comment: The c.1955delG pathogenic mutation, located in coding exon 17 of the NF1 gene, results from a deletion of one nucleotide at nucleotide position 1955, causing a translational frameshift with a predicted alternate stop codon (p.R652Lfs*36). This variant is considered to be rare based on population cohorts in the Genome Aggregation Database (gnomAD). This alteration is expected to result in loss of function by premature protein truncation or nonsense-mediated mRNA decay. As such, this alteration is interpreted as a disease-causing mutation.

Genome-Nilou Lab
Classification: Pathogenic for Neurofibromatosis, type 1. Last evaluated: 2022-03-15. Review status: criteria provided, single submitter. Criteria: ACMG Guidelines, 2015. Collection method: clinical testing. Allele origin: germline. Affected: no.

Literature cited by the submitters: PubMed 10712197 (cited by Labcorp Genetics (formerly Invitae), Labcorp); PubMed 23913538 (cited by Labcorp Genetics (formerly Invitae), Labcorp).